The following is an entry in ClinVar:

NM_001453.3(FOXC1):c.284C>T (p.Pro95Leu)

Genes: FOXC1 (forkhead box C1; plus strand), LOC129995601 (ATAC-STARR-seq lymphoblastoid active region 23864; plus strand). Cytogenetic location: 6p25.3.
Variant type: single nucleotide variant.
Coding change: c.284C>T on transcript NM_001453.3 (MANE Select); coding-DNA position 284, C replaced by T.
Protein change: p.Pro95Leu; replaces proline 95 with leucine.
Molecular consequence: missense variant.
Genome position (GRCh38, 1-based): chr6:1,610,729, C>T. VCF-style: chr6-1610729-C-T. GRCh37 (hg19) VCF-style: chr6-1610964-C-T.
Other names: short protein forms P95L.
Identifiers: ClinVar variation 2703754 (VCV002703754.3), dbSNP rs1762521195, ClinGen allele CA362558474.

ClinVar aggregate classification (germline): Uncertain significance (1 of 4 stars; one submission).

Conditions:
Axenfeld-Rieger syndrome type 3 (RIEG3). Also called: AXENFELD-RIEGER ANOMALY WITH CARDIAC DEFECTS AND/OR SENSORINEURAL HEARING LOSS. Identifiers: Orphanet 782, MedGen C2678503, MONDO:0011233, OMIM 602482.

Allele frequency attached by ClinVar (database versions not stated): TOPMed below 0.00001.

Submission:

Labcorp Genetics (formerly Invitae), Labcorp
Classification: Uncertain significance for Axenfeld-Rieger syndrome type 3. Last evaluated: 2023-07-03. Review status: criteria provided, single submitter. Criteria: Invitae Variant Classification Sherloc (09022015). Collection method: clinical testing. Allele origin: germline.
Comment: This sequence change replaces proline, which is neutral and non-polar, with leucine, which is neutral and non-polar, at codon 95 of the FOXC1 protein (p.Pro95Leu). This variant is not present in population databases (gnomAD no frequency). This variant has not been reported in the literature in individuals affected with FOXC1-related conditions. An algorithm developed to predict the effect of missense changes on protein structure and function (PolyPhen-2) suggests that this variant is likely to be disruptive. In summary, the available evidence is currently insufficient to determine the role of this variant in disease. Therefore, it has been classified as a Variant of Uncertain Significance.